The following is an entry in ClinVar:

NM_053025.4(MYLK):c.3386T>G (p.Ile1129Ser)

Gene: MYLK (myosin light chain kinase; minus strand). Cytogenetic location: 3q21.1.
Variant type: single nucleotide variant.
Coding change: c.3386T>G on transcript NM_053025.4 (MANE Select); coding-DNA position 3386, T replaced by G.
Protein change: p.Ile1129Ser; replaces isoleucine 1129 with serine.
Molecular consequence: missense variant.
Genome position (GRCh38, 1-based): chr3:123,700,082, A>C on the plus strand (T>G on the coding strand, the complement: MYLK is on the minus strand). VCF-style: chr3-123700082-A-C. GRCh37 (hg19) VCF-style: chr3-123418929-A-C.
Other names: c.2858T>G, p.Ile953Ser (NM_001321309.2); c.3179T>G, p.Ile1060Ser (NM_053026.4, NM_053028.4); c.3386T>G, p.Ile1129Ser (NM_053027.4); short protein forms I1129S, I953S, I1060S.
Identifiers: ClinVar variation 3652664 (VCV003652664.2).

ClinVar aggregate classification (germline): Uncertain significance (1 of 4 stars; one submission).

Conditions:
Aortic aneurysm, familial thoracic 7 (AAT7). Also called: AORTIC DISSECTION, FAMILIAL, WITH OR WITHOUT AORTIC ANEURYSM. Identifiers: MedGen C3151077, MONDO:0013418, OMIM 613780.

Submission:

Labcorp Genetics (formerly Invitae), Labcorp
Classification: Uncertain significance for Aortic aneurysm, familial thoracic 7. Last evaluated: 2024-05-08. Review status: criteria provided, single submitter. Criteria: Invitae Variant Classification Sherloc (09022015). Collection method: clinical testing. Allele origin: germline.
Comment: This sequence change replaces isoleucine, which is neutral and non-polar, with serine, which is neutral and polar, at codon 1129 of the MYLK protein (p.Ile1129Ser). This variant is not present in population databases (gnomAD no frequency). This variant has not been reported in the literature in individuals affected with MYLK-related conditions. Advanced modeling of protein sequence and biophysical properties (such as structural, functional, and spatial information, amino acid conservation, physicochemical variation, residue mobility, and thermodynamic stability) performed at Invitae indicates that this missense variant is not expected to disrupt MYLK protein function with a negative predictive value of 80%. In summary, the available evidence is currently insufficient to determine the role of this variant in disease. Therefore, it has been classified as a Variant of Uncertain Significance.